The following is an entry in ClinVar:

NM_005228.5(EGFR):c.2050C>G (p.Gln684Glu)

Gene: EGFR (epidermal growth factor receptor; plus strand). Cytogenetic location: 7p11.2.
Variant type: single nucleotide variant.
Coding change: c.2050C>G on transcript NM_005228.5 (MANE Select); coding-DNA position 2050, C replaced by G.
Protein change: p.Gln684Glu; replaces glutamine 684 with glutamic acid.
Molecular consequence: missense variant.
Genome position (GRCh38, 1-based): chr7:55,173,113, C>G. VCF-style: chr7-55173113-C-G. GRCh37 (hg19) VCF-style: chr7-55240806-C-G.
Other names: c.1915C>G, p.Gln639Glu (NM_001346897.2, NM_001346899.2); c.2050C>G, p.Gln684Glu (NM_001346898.2); c.1891C>G, p.Gln631Glu (NM_001346900.2); c.1249C>G, p.Gln417Glu (NM_001346941.2); short protein forms Q417E, Q631E, Q639E, Q684E.
Identifiers: ClinVar variation 1319894 (VCV001319894.11), dbSNP rs2128952697, ClinGen allele CA367583266.
Genomic context (GRCh38, chr7:55,173,113, plus strand): 5'-ATCGGCCTCTTCATGCGAAGGCGCCACATCGTTCGGAAGCGCACGCTGCGGAGGCTGCTG[C>G]AGGAGAGGGAGGTGAGTGCCAGTCCTGGGTGGGCTCAGGAGCCCTCGCACCCCGACAGGA-3'
Protein context (NP_005219.2, residues 674-694): VRKRTLRRLL[Gln684Glu]ERELVEPLTP

ClinVar aggregate classification (germline): Uncertain significance. Review status: criteria provided, multiple submitters, no conflicts (2 of 4 stars). 3 submissions from 3 submitters: Uncertain significance (3). Last evaluated 2025-04-19.

Conditions:
Hereditary cancer-predisposing syndrome. Also called: Hereditary neoplastic syndrome; Neoplastic Syndromes, Hereditary; Tumor predisposition; Hereditary Cancer Syndrome. Identifiers: Orphanet 140162, MedGen C0027672, MeSH D009386, MONDO:0015356.
EGFR-related lung cancer (EGFR). Identifiers: MedGen CN130014.

gnomAD v4.1: 4 of 1,610,798 alleles (0.00025%); highest among the groups gnomAD compares: Non-Finnish European, 0.00025%; no homozygotes.

Submissions (3):

Ambry Genetics
Classification: Uncertain significance for Hereditary cancer-predisposing syndrome. Last evaluated: 2025-04-19. Review status: criteria provided, single submitter. Criteria: Ambry Variant Classification Scheme 2023. Collection method: clinical testing. Allele origin: germline.
Comment: The p.Q684E variant (also known as c.2050C>G), located in coding exon 17 of the EGFR gene, results from a C to G substitution at nucleotide position 2050. The glutamine at codon 684 is replaced by glutamic acid, an amino acid with highly similar properties. This amino acid position is conserved. In addition, this alteration is predicted to be tolerated by in silico analysis. Based on the available evidence, the clinical significance of this variant remains unclear.

Labcorp Genetics (formerly Invitae), Labcorp
Classification: Uncertain significance for EGFR-related lung cancer. Last evaluated: 2024-08-14. Review status: criteria provided, single submitter. Criteria: Invitae Variant Classification Sherloc (09022015). Collection method: clinical testing. Allele origin: germline.
Comment: This sequence change replaces glutamine, which is neutral and polar, with glutamic acid, which is acidic and polar, at codon 684 of the EGFR protein (p.Gln684Glu). This variant is not present in population databases (gnomAD no frequency). This variant has not been reported in the literature in individuals affected with EGFR-related conditions. ClinVar contains an entry for this variant (Variation ID: 1319894). An algorithm developed to predict the effect of missense changes on protein structure and function (PolyPhen-2) suggests that this variant is likely to be tolerated. In summary, the available evidence is currently insufficient to determine the role of this variant in disease. Therefore, it has been classified as a Variant of Uncertain Significance.

Institute for Clinical Genetics, University Hospital TU Dresden, University Hospital TU Dresden
Classification: Uncertain significance. Last evaluated: 2021-11-03. Review status: criteria provided, single submitter. Criteria: ACMG Guidelines, 2015. Collection method: clinical testing. Allele origin: germline.